The following is an entry in ClinVar:

ClinVar aggregate classification (germline): Benign/Likely benign. Review status: criteria provided, multiple submitters, no conflicts (2 of 4 stars). 3 submissions from 3 submitters: Benign (1); Likely benign (2). Last evaluated 2025-08-24.

Conditions:
Hereditary nonpolyposis colorectal neoplasms. Identifiers: MedGen C0009405, MeSH D003123.
Hereditary cancer-predisposing syndrome. Also called: Hereditary neoplastic syndrome; Hereditary Cancer Syndrome; Neoplastic Syndromes, Hereditary; Tumor predisposition. Identifiers: Orphanet 140162, MedGen C0027672, MeSH D009386, MONDO:0015356.
Lynch syndrome 5 (LYNCH5). Also called: Hereditary non-polyposis colorectal cancer, type 5; Colorectal cancer, hereditary nonpolyposis, type 5. Identifiers: Orphanet 144, MedGen C1833477, MONDO:0013710, OMIM 614350. Disease mechanism: loss of function.

Submissions (3):

Labcorp Genetics (formerly Invitae), Labcorp
Classification: Likely benign for Hereditary nonpolyposis colorectal neoplasms. Last evaluated: 2025-08-24. Review status: criteria provided, single submitter. Criteria: Invitae Variant Classification Sherloc (09022015). Collection method: clinical testing. Allele origin: germline.

Myriad Genetics, Inc.
Classification: Benign for Lynch syndrome 5. Last evaluated: 2024-12-17. Review status: criteria provided, single submitter. Criteria: Myriad Autosomal Dominant, Autosomal Recessive and X-Linked Classification Criteria (2023). Collection method: clinical testing. Allele origin: unknown.
Comment: This variant is considered benign. This variant is a silent/synonymous amino acid change and it is not expected to impact splicing.

Ambry Genetics
Classification: Likely benign for Hereditary cancer-predisposing syndrome. Last evaluated: 2019-11-14. Review status: criteria provided, single submitter. Criteria: Ambry Variant Classification Scheme 2023. Collection method: clinical testing. Allele origin: germline.

NM_000179.3(MSH6):c.87C>T (p.Arg29=)

Gene: MSH6 (mutS homolog 6; plus strand). Cytogenetic location: 2p16.3.
Variant type: single nucleotide variant.
Coding change: c.87C>T on transcript NM_000179.3 (MANE Select); coding-DNA position 87, C replaced by T.
Protein change: p.Arg29=; no amino-acid change (arginine 29 retained).
Molecular consequence: synonymous variant. On other transcripts: 5 prime UTR variant (1).
Genome position (GRCh38, 1-based): chr2:47,783,320, C>T. VCF-style: chr2-47783320-C-T. GRCh37 (hg19) VCF-style: chr2-48010459-C-T.
Other names: c.87C>T, p.Arg29= (NM_001281492.2); c.-650C>T (NM_001281493.2).
Identifiers: ClinVar variation 1594486 (VCV001594486.11), dbSNP rs778354962, ClinGen allele CA426120553.
Genomic context (GRCh38, chr2:47,783,320, plus strand): 5'-CTTCTTCCCCAAGTCTCCGGCGCTGAGTGATGCCAACAAGGCCTCGGCCAGGGCCTCACG[C>T]GAAGGCGGCCGTGCCGCCGCTGCCCCCGGGGCCTCTCCTTCCCCAGGCGGGGATGCGGCC-3'
Protein context (NP_000170.1, residues 19-39): DANKASARAS[Arg29=]EGGRAAAAPG